The following is an entry in ClinVar:

ClinVar aggregate classification (germline): Uncertain significance (1 of 4 stars; one submission).

gnomAD v4.1: 6 of 1,613,224 alleles (0.00037%); highest among the groups gnomAD compares: African/African-American, 0.008%; no homozygotes.

Submission:

Women's Health and Genetics/Laboratory Corporation of America, LabCorp
Classification: Uncertain significance. Last evaluated: 2026-02-09. Review status: criteria provided, single submitter. Criteria: LabCorp Variant Classification Summary - May 2015. Collection method: clinical testing. Allele origin: germline.
Comment: Variant summary: TTN c.61031A>G (p.Tyr20344Cys) results in a non-conservative amino acid change in the encoded protein sequence. Algorithms developed to predict the effect of missense changes on protein structure and function all suggest that this variant is likely to be disruptive. The variant allele was found at a frequency of 8.1e-06 in 247918 control chromosomes. The available data on variant occurrences in the general population are insufficient to allow any conclusion about variant significance. To our knowledge, no occurrence of c.61031A>G in individuals affected with TTN-related conditions and no experimental evidence demonstrating its impact on protein function have been reported. No submitters have cited clinical-significance assessments for this variant to ClinVar. Based on the evidence outlined above, the variant was classified as uncertain significance.

NM_001267550.2(TTN):c.68735A>G (p.Tyr22912Cys)

Genes: TTN-AS1 (TTN antisense RNA 1; plus strand), TTN (titin; minus strand). Cytogenetic location: 2q31.2.
Variant type: single nucleotide variant.
Coding change: c.68735A>G on transcript NM_001267550.2 (MANE Select); coding-DNA position 68735, A replaced by G.
Protein change: p.Tyr22912Cys; replaces tyrosine 22912 with cysteine.
Molecular consequence: missense variant.
Genome position (GRCh38, 1-based): chr2:178,577,691, T>C on the plus strand (A>G on the coding strand, the complement: TTN is on the minus strand). VCF-style: chr2-178577691-T-C. GRCh37 (hg19) VCF-style: chr2-179442418-T-C.
Other names: c.61031A>G, p.Tyr20344Cys (NM_133378.4); c.41915A>G, p.Tyr13972Cys (NM_133432.3); c.42116A>G, p.Tyr14039Cys (NM_133437.4); c.63812A>G, p.Tyr21271Cys (NM_001256850.1); c.41540A>G, p.Tyr13847Cys (NM_003319.4); short protein forms Y13847C, Y13972C, Y14039C, Y20344C, Y21271C, Y22912C.
Identifiers: ClinVar variation 4847961 (VCV004847961.1).